The following is an entry in ClinVar:

ClinVar aggregate classification (germline): Pathogenic. Review status: criteria provided, single submitter (1 of 4 stars). 2 submissions from 2 submitters: Pathogenic (1). 1 of the submissions does not count toward it. Last evaluated 2025-02-04.

Conditions:
Werner syndrome (WRN). Identifiers: Orphanet 902, MedGen C0043119, MONDO:0010196, OMIM 277700.

Allele frequency attached by ClinVar (database versions not stated): gnomAD exomes below 0.00001.
gnomAD v4.1: 1 of 1,613,972 alleles (0.000062%); highest among the groups gnomAD compares: Non-Finnish European, 0.000085%; no homozygotes.

Submissions (2):

Labcorp Genetics (formerly Invitae), Labcorp
Classification: Pathogenic for Werner syndrome. Last evaluated: 2025-02-04. Review status: criteria provided, single submitter. Criteria: Invitae Variant Classification Sherloc (09022015). Collection method: clinical testing. Allele origin: germline.
Comment: This sequence change creates a premature translational stop signal (p.Gln1165*) in the WRN gene. It is expected to result in an absent or disrupted protein product. Loss-of-function variants in WRN are known to be pathogenic (PMID: 16673358). This variant is not present in population databases (gnomAD no frequency). This premature translational stop signal has been observed in individual(s) with Werner syndrome (PMID: 8602509, 8968742, 20443122). This variant is also known as c.3724C>T. ClinVar contains an entry for this variant (Variation ID: 5445). For these reasons, this variant has been classified as Pathogenic.

OMIM
Classification: Pathogenic for WERNER SYNDROME. Last evaluated: 1996-04-12. Review status: no assertion criteria provided. Collection method: literature only. Allele origin: germline. Not counted in ClinVar's aggregate classification.

Literature cited by the submitters: PubMed 16673358 (cited by Labcorp Genetics (formerly Invitae), Labcorp); PubMed 8602509 (cited by Labcorp Genetics (formerly Invitae), Labcorp and OMIM); PubMed 8968742 (cited by Labcorp Genetics (formerly Invitae), Labcorp); PubMed 20443122 (cited by Labcorp Genetics (formerly Invitae), Labcorp).

NM_000553.6(WRN):c.3493C>T (p.Gln1165Ter)

Gene: WRN (WRN RecQ like helicase; plus strand). Cytogenetic location: 8p12.
Variant type: single nucleotide variant.
Coding change: c.3493C>T on transcript NM_000553.6 (MANE Select); coding-DNA position 3493, C replaced by T.
Protein change: p.Gln1165Ter; replaces glutamine 1165 with a stop codon.
Molecular consequence: nonsense.
Genome position (GRCh38, 1-based): chr8:31,147,397, C>T. VCF-style: chr8-31147397-C-T. GRCh37 (hg19) VCF-style: chr8-31004913-C-T.
Other names: short protein forms Q1165*.
Identifiers: ClinVar variation 5445 (VCV000005445.7), dbSNP rs121908447, ClinGen allele CA253485.
Genomic context (GRCh38, chr8:31,147,397, plus strand): 5'-AGTGTTGTTTCTTTGTTTTTTGTTCAGATTGTGTTATATGGCAAATTGGTAGAAGCTAGG[C>T]AGAAACATGCCAATAAAATGGATGTTCCCCCAGCTATTCTGGCAACAAACAAGATACTGG-3'